The following is an entry in ClinVar:

NM_000346.4(SOX9):c.281_310del (p.Arg94_Pro103del)

Genes: SOX9 (SRY-box transcription factor 9; plus strand), LOC108021846 (SOX9 promoter region; plus strand). Cytogenetic location: 17q24.3.
Variant type: Deletion.
Coding change: c.281_310del on transcript NM_000346.4 (MANE Select); coding-DNA positions 281 to 310, 30 bases deleted (GCGTCAACGGCTCCAGCAAGAACAAGCCGC).
Protein change: p.Arg94_Pro103del.
Molecular consequence: inframe deletion.
Genome position (GRCh38, 1-based): chr17:72,121,672-72,121,701, GCGTCAACGGCTCCAGCAAGAACAAGCCGC deleted; deleting any 30 consecutive bases within chr17:72,121,670-72,121,701 gives the same sequence; the c. name uses the placement nearest the transcript's 3' end. VCF-style (leftmost placement, unchanged base first): chr17-72121669-TGCGCGTCAACGGCTCCAGCAAGAACAAGCC-T. GRCh37 (hg19) VCF-style: chr17-70117810-TGCGCGTCAACGGCTCCAGCAAGAACAAGCC-T.
Identifiers: ClinVar variation 986363 (VCV000986363.1), dbSNP rs1908098789, ClinGen allele CA1139665857.

ClinVar aggregate classification (germline): Likely pathogenic (1 of 4 stars; one submission).

Conditions:
Camptomelic dysplasia (CMPD). Also called: CMPD1/SRA1; Campomelic Dysplasia. Identifiers: Orphanet 140, MedGen C1861922, MONDO:0007251, OMIM 114290.

Submission:

Rady Children's Institute for Genomic Medicine, Rady Children's Hospital San Diego
Classification: Likely pathogenic for CAMPOMELIC DYSPLASIA. Last evaluated: 2019-09-05. Review status: criteria provided, single submitter. Criteria: ACMG Guidelines, 2015. Collection method: clinical testing. Allele origin: germline. Affected: yes.
Comment: This inframe deletion overlaps ten highly conserved amino acids in a non-repeat region of the protein. This variant has not been previously reported or functionally characterized in the literature to our knowledge. It is absent from the ExAC and gnomAD population databases and thus is presumed to be rare. The c.281_310del (p.Arg94_Pro103del) variant is predicted by multiple in silico tools to have a deleterious effect on protein function. Analysis of the parental samples was negative for the variant, indicating this variant likely occurred as a de novo event. Based on the available evidence, the c.281_310del (p.Arg94_Pro103del) variant is classified as Likely Pathogenic.